The following is an entry in ClinVar:

NM_205861.3(DHDDS):c.299A>G (p.Lys100Arg)

Gene: DHDDS (dehydrodolichyl diphosphate synthase subunit; plus strand). Cytogenetic location: 1p36.11.
Variant type: single nucleotide variant.
Coding change: c.299A>G on transcript NM_205861.3 (MANE Select); coding-DNA position 299, A replaced by G.
Protein change: p.Lys100Arg; replaces lysine 100 with arginine.
Molecular consequence: missense variant.
Genome position (GRCh38, 1-based): chr1:26,442,849, A>G. VCF-style: chr1-26442849-A-G. GRCh37 (hg19) VCF-style: chr1-26769340-A-G.
Other names: c.299A>G, p.Lys100Arg (NM_001243564.2, NM_001243565.2, NM_024887.4); c.20A>G, p.Lys7Arg (NM_001319959.2); short protein forms K100R, K7R.
Identifiers: ClinVar variation 999520 (VCV000999520.5), dbSNP rs755746499, ClinGen allele CA705288.

ClinVar aggregate classification (germline): Uncertain significance. Review status: criteria provided, single submitter (1 of 4 stars). 2 submissions from 2 submitters: Uncertain significance (1). 1 of the submissions does not count toward it. Last evaluated 2022-04-21.

Conditions:
Retinitis pigmentosa 59 (RP59). Identifiers: Orphanet 791, MedGen C3151227, MONDO:0013468, OMIM 613861.

Allele frequency attached by ClinVar (database versions not stated): gnomAD exomes below 0.00001; ExAC 0.00001.
gnomAD v4.1: 5 of 1,614,124 alleles (0.00031%); highest among the groups gnomAD compares: Non-Finnish European, 0.00042%; no homozygotes.

Submissions (2):

Labcorp Genetics (formerly Invitae), Labcorp
Classification: Uncertain significance for Retinitis pigmentosa 59. Last evaluated: 2022-04-21. Review status: criteria provided, single submitter. Criteria: Invitae Variant Classification Sherloc (09022015). Collection method: clinical testing. Allele origin: germline.
Comment: This sequence change replaces lysine, which is basic and polar, with arginine, which is basic and polar, at codon 100 of the DHDDS protein (p.Lys100Arg). This variant is present in population databases (rs755746499, gnomAD 0.0009%). This variant has not been reported in the literature in individuals affected with DHDDS-related conditions. ClinVar contains an entry for this variant (Variation ID: 999520). Algorithms developed to predict the effect of missense changes on protein structure and function are either unavailable or do not agree on the potential impact of this missense change (SIFT: "Tolerated"; PolyPhen-2: "Probably Damaging"; Align-GVGD: "Class C0"). In summary, the available evidence is currently insufficient to determine the role of this variant in disease. Therefore, it has been classified as a Variant of Uncertain Significance.

Natera, Inc.
Classification: Uncertain significance for Retinitis pigmentosa type 59. Last evaluated: 2020-10-23. Review status: no assertion criteria provided. Collection method: clinical testing. Allele origin: germline. Not counted in ClinVar's aggregate classification.